The following is an entry in ClinVar:

ClinVar aggregate classification (germline): Pathogenic (1 of 4 stars; one submission).

Conditions:
Atrioventricular septal defect 5 (AVSD5). Identifiers: MedGen C3280939, MONDO:0013769, OMIM 614474.

Submission:

Labcorp Genetics (formerly Invitae), Labcorp
Classification: Pathogenic for Atrioventricular septal defect 5. Last evaluated: 2025-01-22. Review status: criteria provided, single submitter. Criteria: Invitae Variant Classification Sherloc (09022015). Collection method: clinical testing. Allele origin: germline.
Comment: This sequence change creates a premature translational stop signal (p.Leu384Argfs*77) in the GATA6 gene. It is expected to result in an absent or disrupted protein product. Loss-of-function variants in GATA6 are known to be pathogenic (PMID: 22158542, 24310933). This variant is not present in population databases (gnomAD no frequency). This variant has not been reported in the literature in individuals affected with GATA6-related conditions. For these reasons, this variant has been classified as Pathogenic.

Literature cited by the submitters: PubMed 22158542; PubMed 24310933.

NM_005257.6(GATA6):c.1151_1155del (p.Leu384fs)

Gene: GATA6 (GATA binding protein 6; plus strand). Cytogenetic location: 18q11.2.
Variant type: Deletion.
Coding change: c.1151_1155del on transcript NM_005257.6 (MANE Select); coding-DNA positions 1151 to 1155, 5 bases deleted (TGTCC; older notation c.1151_1155delTGTCC).
Protein change: p.Leu384fs; shifts the reading frame from leucine 384.
Molecular consequence: frameshift variant.
Genome position (GRCh38, 1-based): chr18:22,176,970-22,176,974, TGTCC deleted; deleting any 5 consecutive bases within chr18:22,176,968-22,176,974 gives the same sequence; the c. name uses the placement nearest the transcript's 3' end. VCF-style (leftmost placement, unchanged base first): chr18-22176967-ACCTGT-A. GRCh37 (hg19) VCF-style: chr18-19756928-ACCTGT-A.
Other names: short protein forms L384fs.
Identifiers: ClinVar variation 3729421 (VCV003729421.2).